The following is an entry in ClinVar:

ClinVar aggregate classification (germline): Pathogenic/Likely pathogenic. Review status: criteria provided, multiple submitters, no conflicts (2 of 4 stars). 5 submissions from 5 submitters: Pathogenic (2); Likely pathogenic (1). 2 of the submissions do not count toward it. Last evaluated 2024-09-27.

Conditions:
BMPR2-related disorder. Also called: BMPR2-related condition; BMPR2-related disorders.
Idiopathic and/or familial pulmonary arterial hypertension. Identifiers: Orphanet 422, MedGen C5679820, MONDO:0008347.
Pulmonary arterial hypertension. Identifiers: Orphanet 182090, MedGen C2973725, MeSH D000081029, MONDO:0015924, HP:0002092.
Pulmonary hypertension, primary, 1 (PPH1). Also called: Pulmonary hypertension, familial primary, 1, with or without HHT. Identifiers: Orphanet 422, MedGen C4552070, MONDO:0024533, OMIM 178600.
Primary pulmonary hypertension. Also called: Idiopathic pulmonary hypertension. Identifiers: MedGen C0152171.

Submissions (5):

Labcorp Genetics (formerly Invitae), Labcorp
Classification: Pathogenic for Primary pulmonary hypertension. Last evaluated: 2024-09-27. Review status: criteria provided, single submitter. Criteria: Invitae Variant Classification Sherloc (09022015). Collection method: clinical testing. Allele origin: germline.
Comment: This sequence change replaces cysteine, which is neutral and slightly polar, with tyrosine, which is neutral and polar, at codon 117 of the BMPR2 protein (p.Cys117Tyr). This variant is not present in population databases (gnomAD no frequency). This missense change has been observed in individuals with pulmonary artery hypertension (PMID: 11015450, 27884767, 29631995; internal data). ClinVar contains an entry for this variant (Variation ID: 425766). Invitae Evidence Modeling incorporating data from in vitro experimental studies (internal data) indicates that this missense variant is expected to disrupt BMPR2 function with a positive predictive value of 95%. Experimental studies have shown that this missense change affects BMPR2 function (PMID: 12045205). This variant disrupts the p.Cys117 amino acid residue in BMPR2. Other variant(s) that disrupt this residue have been observed in individuals with BMPR2-related conditions (PMID: 21737554, 29650961), which suggests that this may be a clinically significant amino acid residue. For these reasons, this variant has been classified as Pathogenic.

Blueprint Genetics
Classification: Likely pathogenic for BMPR2-related disorders. Last evaluated: 2018-11-16. Review status: criteria provided, single submitter. Criteria: ACMG Guidelines, 2015. Collection method: clinical testing. Allele origin: germline. Affected: yes. Observed: 1 variant allele.

ARUP Laboratories, Molecular Genetics and Genomics, ARUP Laboratories
Classification: Pathogenic. Last evaluated: 2016-08-15. Review status: criteria provided, single submitter. Criteria: ARUP Molecular Germline Variant Investigation Process. Collection method: clinical testing. Allele origin: germline.

Rare Disease Genomics Group, St George's University of London
Classification: Pathogenic for Primary pulmonary hypertension. Review status: no assertion criteria provided. Collection method: literature only. Allele origin: germline. Affected: yes. Not counted in ClinVar's aggregate classification.

Wendy Chung Laboratory, Boston Children's Hospital
No classification provided. Condition: Idiopathic and/or familial pulmonary arterial hypertension. Review status: no classification provided. Collection method: literature only. Allele origin: germline. Affected: yes. Observed: 2 variant alleles. Not counted in ClinVar's aggregate classification.

Literature cited by the submitters: PubMed 11015450 (cited by Labcorp Genetics (formerly Invitae), Labcorp and Rare Disease Genomics Group, St George's University of London); PubMed 27884767 (cited by Labcorp Genetics (formerly Invitae), Labcorp); PubMed 29631995 (cited by Labcorp Genetics (formerly Invitae), Labcorp); PubMed 12045205 (cited by Labcorp Genetics (formerly Invitae), Labcorp); PubMed 21737554 (cited by Labcorp Genetics (formerly Invitae), Labcorp); PubMed 29650961 (cited by Labcorp Genetics (formerly Invitae), Labcorp); PubMed 19555857 (cited by Rare Disease Genomics Group, St George's University of London); PubMed 26387786 (cited by Rare Disease Genomics Group, St George's University of London); PubMed 31727138 (cited by Wendy Chung Laboratory, Boston Children's Hospital).

NM_001204.7(BMPR2):c.350G>A (p.Cys117Tyr)

Gene: BMPR2 (bone morphogenetic protein receptor type 2; plus strand). Cytogenetic location: 2q33.1.
Variant type: single nucleotide variant.
Coding change: c.350G>A on transcript NM_001204.7 (MANE Select); coding-DNA position 350, G replaced by A.
Protein change: p.Cys117Tyr; replaces cysteine 117 with tyrosine.
Molecular consequence: missense variant.
Genome position (GRCh38, 1-based): chr2:202,467,621, G>A. VCF-style: chr2-202467621-G-A. GRCh37 (hg19) VCF-style: chr2-203332344-G-A.
Other names: c.350G>A (LRG_712t1); short protein forms C117Y.
Identifiers: ClinVar variation 425766 (VCV000425766.20), dbSNP rs1085307215, ClinGen allele CA350399730.
Genomic context (GRCh38, chr2:202,467,621, plus strand): 5'-AAGAATGTGTAGTAACTACCACTCCTCCCTCAATTCAGAATGGAACATACCGTTTCTGCT[G>A]TTGTAGCACAGATTTATGTAATGTCAACTTTACTGAGAATTTTCCACCTCCTGACACAAC-3'
Protein context (NP_001195.2, residues 107-127): SIQNGTYRFC[Cys117Tyr]CSTDLCNVNF